The following is an entry in ClinVar:

ClinVar aggregate classification (germline): Uncertain significance (1 of 4 stars; one submission).

Conditions:
Episodic ataxia type 2 (EA2). Also called: CEREBELLAR ATAXIA, PAROXYSMAL, ACETAZOLAMIDE-RESPONSIVE; CEREBELLOPATHY, HEREDITARY PAROXYSMAL; EPISODIC ATAXIA, NYSTAGMUS-ASSOCIATED; ACETAZOLAMIDE-RESPONSIVE HEREDITARY PAROXYSMAL CEREBELLAR ATAXIA; ATAXIA, EPISODIC, WITH NYSTAGMUS; ATAXIA, FAMILIAL PAROXYSMAL. Identifiers: Orphanet 97, MedGen C1720416, MONDO:0007163, OMIM 108500.

Allele frequency attached by ClinVar (database versions not stated): gnomAD 0.00001; gnomAD exomes 0.00001.
gnomAD v4.1: 13 of 1,501,162 alleles (0.00087%); highest among the groups gnomAD compares: Non-Finnish European, 0.0011%; no homozygotes.

Submission:

Laboratorio de Genetica e Diagnostico Molecular, Hospital Israelita Albert Einstein
Classification: Uncertain significance for Episodic ataxia type 2. Last evaluated: 2021-11-16. Review status: criteria provided, single submitter. Criteria: ACMG Guidelines, 2015. Collection method: clinical testing. Allele origin: germline. Affected: yes.
Comment: ACMG classification criteria: PM2 moderate, PP2 supporting, BP4 supporting

NM_001127222.2(CACNA1A):c.2899G>A (p.Glu967Lys)

Gene: CACNA1A (calcium voltage-gated channel subunit alpha1 A; minus strand). Cytogenetic location: 19p13.13.
Variant type: single nucleotide variant.
Coding change: c.2899G>A on transcript NM_001127222.2 (MANE Select); coding-DNA position 2899, G replaced by A.
Protein change: p.Glu967Lys; replaces glutamic acid 967 with lysine.
Molecular consequence: missense variant.
Genome position (GRCh38, 1-based): chr19:13,298,734, C>T on the plus strand (G>A on the coding strand, the complement: CACNA1A is on the minus strand). VCF-style: chr19-13298734-C-T. GRCh37 (hg19) VCF-style: chr19-13409548-C-T.
Other names: c.2911G>A, p.Glu971Lys (NM_000068.4, NM_023035.3); c.2902G>A, p.Glu968Lys (NM_001127221.2, NM_001174080.2); short protein forms E967K, E968K, E971K.
Identifiers: ClinVar variation 1683535 (VCV001683535.2), dbSNP rs1555755929, ClinGen allele CA404342492.